The following is an entry in ClinVar:

ClinVar aggregate classification (germline): Uncertain significance (1 of 4 stars; one submission).

Allele frequency attached by ClinVar (database versions not stated): gnomAD exomes below 0.00001 and 0.00001; TOPMed 0.00001; gnomAD 0.00002; ExAC 0.00003; ESP Exome Variant Server 0.00008.
gnomAD v4.1: 9 of 1,611,134 alleles (0.00056%); highest among the groups gnomAD compares: Middle Eastern, 0.017%; no homozygotes.

Submission:

Labcorp Genetics (formerly Invitae), Labcorp
Classification: Uncertain significance. Last evaluated: 2021-08-25. Review status: criteria provided, single submitter. Criteria: Invitae Variant Classification Sherloc (09022015). Collection method: clinical testing. Allele origin: germline.
Comment: This variant has not been reported in the literature in individuals affected with NUP93-related conditions. This sequence change replaces isoleucine with valine at codon 714 of the NUP93 protein (p.Ile714Val). The isoleucine residue is moderately conserved and there is a small physicochemical difference between isoleucine and valine. This variant is present in population databases (rs372514444, ExAC 0.03%). Algorithms developed to predict the effect of missense changes on protein structure and function (SIFT, PolyPhen-2, Align-GVGD) all suggest that this variant is likely to be tolerated. In summary, the available evidence is currently insufficient to determine the role of this variant in disease. Therefore, it has been classified as a Variant of Uncertain Significance.

NM_014669.5(NUP93):c.2140A>G (p.Ile714Val)

Gene: NUP93 (nucleoporin 93; plus strand). Cytogenetic location: 16q13.
Variant type: single nucleotide variant.
Coding change: c.2140A>G on transcript NM_014669.5 (MANE Select); coding-DNA position 2140, A replaced by G.
Protein change: p.Ile714Val; replaces isoleucine 714 with valine.
Molecular consequence: missense variant.
Genome position (GRCh38, 1-based): chr16:56,839,524, A>G. VCF-style: chr16-56839524-A-G. GRCh37 (hg19) VCF-style: chr16-56873436-A-G.
Other names: c.1771A>G, p.Ile591Val (NM_001242795.2, NM_001242796.2); short protein forms I591V, I714V.
Identifiers: ClinVar variation 1394556 (VCV001394556.4), dbSNP rs372514444, ClinGen allele CA8068682.